The following is an entry in ClinVar:

NM_001845.6(COL4A1):c.323C>T (p.Pro108Leu)

Gene: COL4A1 (collagen type IV alpha 1 chain; minus strand). Cytogenetic location: 13q34.
Variant type: single nucleotide variant.
Coding change: c.323C>T on transcript NM_001845.6 (MANE Select); coding-DNA position 323, C replaced by T.
Protein change: p.Pro108Leu; replaces proline 108 with leucine.
Molecular consequence: missense variant.
Genome position (GRCh38, 1-based): chr13:110,212,575, G>A on the plus strand (C>T on the coding strand, the complement: COL4A1 is on the minus strand). VCF-style: chr13-110212575-G-A. GRCh37 (hg19) VCF-style: chr13-110864922-G-A.
Other names: c.323C>T, p.Pro108Leu (NM_001303110.2); c.323C>T (NM_001845.4); short protein forms P108L.
Identifiers: ClinVar variation 3370360 (VCV003370360.2).

ClinVar aggregate classification (germline): Uncertain significance. Review status: criteria provided, multiple submitters, no conflicts (2 of 4 stars). 2 submissions from 2 submitters: Uncertain significance (2). Last evaluated 2026-03-25.

Conditions:
Autosomal dominant familial hematuria-retinal arteriolar tortuosity-contractures syndrome. Also called: Angiopathy, hereditary, with nephropathy, aneurysms, and muscle cramps; Hereditary Angiopathy with Nephropathy, Aneurysms, and Muscle Cramps (HANAC) Syndrome. Identifiers: Orphanet 73229, MedGen C2673195, MONDO:0012726, OMIM 611773.

Submissions (2):

GeneDx
Classification: Uncertain significance. Last evaluated: 2026-03-25. Review status: criteria provided, single submitter. Criteria: GeneDx Variant Classification Process June 2021. Collection method: clinical testing. Allele origin: germline.
Comment: Not observed at significant frequency in large population cohorts (gnomAD); In silico analysis supports that this missense variant has a deleterious effect on protein structure/function; Has not been previously published as pathogenic or benign to our knowledge

MVZ Medizinische Genetik Mainz
Classification: Uncertain significance for Autosomal dominant familial hematuria-retinal arteriolar tortuosity-contractures syndrome. Last evaluated: 2024-09-17. Review status: criteria provided, single submitter. Criteria: UK Practice Guidelines For Variant Classification V4 01 2020. Collection method: clinical testing. Allele origin: germline. Inheritance: Autosomal dominant inheritance. Affected: yes. Observed: 1 variant allele.
Comment: ACMG Criteria: PM2_SUP,PP3